The following is an entry in ClinVar:

ClinVar aggregate classification (germline): Uncertain significance. Review status: criteria provided, multiple submitters, no conflicts (2 of 4 stars). 3 submissions from 3 submitters: Uncertain significance (3). Last evaluated 2022-08-29.

Conditions:
Familial hypocalciuric hypercalcemia (FHH). Also called: Familial benign hypercalcemia. Identifiers: Orphanet 405, MedGen C1809471, MONDO:0018458.
Autosomal dominant hypocalcemia 1 (HYPOC1). Also called: HYPOCALCEMIA, FAMILIAL. Identifiers: MedGen C3715128, MONDO:0011013, OMIM 601198.
Nephrolithiasis/nephrocalcinosis. Identifiers: MedGen CN580796.

Allele frequency attached by ClinVar (database versions not stated): gnomAD exomes below 0.00001; ExAC 0.00001.
gnomAD v4.1: 1 of 1,614,138 alleles (0.000062%); highest among the groups gnomAD compares: Non-Finnish European, 0.000085%; no homozygotes.

Submissions (3):

Ambry Genetics
Classification: Uncertain significance for Nephrolithiasis/nephrocalcinosis. Last evaluated: 2022-08-29. Review status: criteria provided, single submitter. Criteria: Ambry Variant Classification Scheme 2023. Collection method: clinical testing. Allele origin: germline.
Comment: The p.S402R variant (also known as c.1206C>G), located in coding exon 3 of the CASR gene, results from a C to G substitution at nucleotide position 1206. The serine at codon 402 is replaced by arginine, an amino acid with dissimilar properties. This amino acid position is conserved. In addition, this alteration is predicted to be tolerated by in silico analysis. Since supporting evidence is limited at this time, the clinical significance of this alteration remains unclear.

Labcorp Genetics (formerly Invitae), Labcorp
Classification: Uncertain significance for Familial hypocalciuric hypercalcemia; Autosomal dominant hypocalcemia 1. Last evaluated: 2022-06-18. Review status: criteria provided, single submitter. Criteria: Invitae Variant Classification Sherloc (09022015). Collection method: clinical testing. Allele origin: germline.
Comment: In summary, the available evidence is currently insufficient to determine the role of this variant in disease. Therefore, it has been classified as a Variant of Uncertain Significance. Algorithms developed to predict the effect of missense changes on protein structure and function are either unavailable or do not agree on the potential impact of this missense change (SIFT: "Deleterious"; PolyPhen-2: "Benign"; Align-GVGD: "Class C0"). ClinVar contains an entry for this variant (Variation ID: 578925). This variant has not been reported in the literature in individuals affected with CASR-related conditions. This variant is present in population databases (rs755403770, gnomAD 0.0009%). This sequence change replaces serine, which is neutral and polar, with arginine, which is basic and polar, at codon 402 of the CASR protein (p.Ser402Arg).

GeneDx
Classification: Uncertain significance. Last evaluated: 2022-06-01. Review status: criteria provided, single submitter. Criteria: GeneDx Variant Classification Process June 2021. Collection method: clinical testing. Allele origin: germline. Affected: yes.
Comment: Not observed at significant frequency in large population cohorts (gnomAD); In silico analysis supports that this missense variant does not alter protein structure/function; Has not been previously published as pathogenic or benign to our knowledge

NM_000388.4(CASR):c.1206C>G (p.Ser402Arg)

Gene: CASR (calcium sensing receptor; plus strand). Cytogenetic location: 3q21.1.
Variant type: single nucleotide variant.
Coding change: c.1206C>G on transcript NM_000388.4 (MANE Select); coding-DNA position 1206, C replaced by G.
Protein change: p.Ser402Arg; replaces serine 402 with arginine.
Molecular consequence: missense variant.
Genome position (GRCh38, 1-based): chr3:122,262,241, C>G. VCF-style: chr3-122262241-C-G. GRCh37 (hg19) VCF-style: chr3-121981088-C-G.
Other names: c.1206C>G, p.Ser402Arg (NM_001178065.2); short protein forms S402R.
Identifiers: ClinVar variation 578925 (VCV000578925.14), dbSNP rs755403770, ClinGen allele CA2569612.